The following is an entry in ClinVar:

ClinVar aggregate classification (germline): Uncertain significance. Review status: criteria provided, multiple submitters, no conflicts (2 of 4 stars). 2 submissions from 2 submitters: Uncertain significance (2). Last evaluated 2024-02-13.

Conditions:
Inborn genetic diseases. Identifiers: MedGen C0950123, MeSH D030342.
Argininosuccinate lyase deficiency. Also called: Argininosuccinic aciduria; ARGININOSUCCINIC ACID LYASE DEFICIENCY; ASL DEFICIENCY. Identifiers: Orphanet 23, MedGen C0268547, MONDO:0008815, OMIM 207900, HP:0025630.

Allele frequency attached by ClinVar (database versions not stated): gnomAD exomes 0.00003; TOPMed 0.00004; ExAC 0.00005; gnomAD 0.00011.
gnomAD v4.1: 62 of 1,613,576 alleles (0.0038%); highest among the groups gnomAD compares: Middle Eastern, 0.049%; no homozygotes.

Submissions (2):

Ambry Genetics
Classification: Uncertain significance for Inborn genetic diseases. Last evaluated: 2024-02-13. Review status: criteria provided, single submitter. Criteria: Ambry Variant Classification Scheme 2023. Collection method: clinical testing. Allele origin: germline.

Labcorp Genetics (formerly Invitae), Labcorp
Classification: Uncertain significance for Argininosuccinate lyase deficiency. Last evaluated: 2022-03-15. Review status: criteria provided, single submitter. Criteria: Invitae Variant Classification Sherloc (09022015). Collection method: clinical testing. Allele origin: germline.
Comment: This sequence change replaces arginine, which is basic and polar, with histidine, which is basic and polar, at codon 151 of the ASL protein (p.Arg151His). This variant is present in population databases (rs758359291, gnomAD 0.04%). This variant has not been reported in the literature in individuals affected with ASL-related conditions. Advanced modeling of protein sequence and biophysical properties (such as structural, functional, and spatial information, amino acid conservation, physicochemical variation, residue mobility, and thermodynamic stability) performed at Invitae indicates that this missense variant is not expected to disrupt ASL protein function. In summary, the available evidence is currently insufficient to determine the role of this variant in disease. Therefore, it has been classified as a Variant of Uncertain Significance.

NM_000048.4(ASL):c.452G>A (p.Arg151His)

Gene: ASL (argininosuccinate lyase; plus strand). Cytogenetic location: 7q11.21.
Variant type: single nucleotide variant.
Coding change: c.452G>A on transcript NM_000048.4 (MANE Select); coding-DNA position 452, G replaced by A.
Protein change: p.Arg151His; replaces arginine 151 with histidine.
Molecular consequence: missense variant.
Genome position (GRCh38, 1-based): chr7:66,086,590, G>A. VCF-style: chr7-66086590-G-A. GRCh37 (hg19) VCF-style: chr7-65551577-G-A.
Other names: c.452G>A (NM_000048.3); c.452G>A, p.Arg151His (NM_001024943.2, NM_001024944.2, NM_001024946.2); short protein forms R151H.
Identifiers: ClinVar variation 2139158 (VCV002139158.2), dbSNP rs758359291, ClinGen allele CA4276972.
Genomic context (GRCh38, chr7:66,086,590, plus strand): 5'-ACAGGCAGGCCTTGCATGAGCCTCCACCCGAGCTTCTGCTCCTCCTCTCCCACAGGGAAC[G>A]TGATGTTCTCTTCCCGGGGTACACCCATTTGCAGAGGGCCCAGCCCATCCGCTGGAGCCA-3'
Protein context (NP_000039.2, residues 141-161): RTMVDRAEAE[Arg151His]DVLFPGYTHL